The following is an entry in ClinVar:

NM_005751.5(AKAP9):c.1768G>A (p.Glu590Lys)

Gene: AKAP9 (A-kinase anchoring protein 9; plus strand). Cytogenetic location: 7q21.2.
Variant type: single nucleotide variant.
Coding change: c.1768G>A on transcript NM_005751.5 (MANE Select); coding-DNA position 1768, G replaced by A.
Protein change: p.Glu590Lys; replaces glutamic acid 590 with lysine.
Molecular consequence: missense variant.
Genome position (GRCh38, 1-based): chr7:92,001,685, G>A. VCF-style: chr7-92001685-G-A. GRCh37 (hg19) VCF-style: chr7-91630999-G-A.
Other names: c.1768G>A, p.Glu590Lys (NM_147185.3); short protein forms E590K.
Identifiers: ClinVar variation 1018434 (VCV001018434.8), dbSNP rs1799204480, ClinGen allele CA368122540.
Genomic context (GRCh38, chr7:92,001,685, plus strand): 5'-GATTTGAAAGCTGAGATTGTTTCTGCATCTGAATCCAGAAAGGAACTAGAATTAAAACAT[G>A]AAGCAGAAGTTACAAATTACAAGATAAAACTTGAAATGTTAGAAAAAGAAAAGAATGCTG-3'
Protein context (NP_005742.4, residues 580-600): ESRKELELKH[Glu590Lys]AEVTNYKIKL

ClinVar aggregate classification (germline): Uncertain significance (1 of 4 stars; one submission).

Conditions:
Long QT syndrome (LQTS). Identifiers: MedGen C0023976, MeSH D008133, MONDO:0002442. Disease mechanism: loss of function. Inheritance: Various modes of inheritance.

Submission:

Labcorp Genetics (formerly Invitae), Labcorp
Classification: Uncertain significance for Long QT syndrome. Last evaluated: 2022-08-23. Review status: criteria provided, single submitter. Criteria: Invitae Variant Classification Sherloc (09022015). Collection method: clinical testing. Allele origin: germline.
Comment: This sequence change replaces glutamic acid, which is acidic and polar, with lysine, which is basic and polar, at codon 590 of the AKAP9 protein (p.Glu590Lys). This variant is not present in population databases (gnomAD no frequency). This variant has not been reported in the literature in individuals affected with AKAP9-related conditions. ClinVar contains an entry for this variant (Variation ID: 1018434). Algorithms developed to predict the effect of missense changes on protein structure and function are either unavailable or do not agree on the potential impact of this missense change (SIFT: "Deleterious"; PolyPhen-2: "Probably Damaging"; Align-GVGD: "Class C0"). In summary, the available evidence is currently insufficient to determine the role of this variant in disease. Therefore, it has been classified as a Variant of Uncertain Significance.